The following is an entry in ClinVar:

ClinVar aggregate classification (germline): Uncertain significance (1 of 4 stars; one submission).

Conditions:
Hereditary cancer-predisposing syndrome. Also called: Neoplastic Syndromes, Hereditary; Tumor predisposition; Hereditary Cancer Syndrome; Hereditary neoplastic syndrome. Identifiers: Orphanet 140162, MedGen C0027672, MeSH D009386, MONDO:0015356.

Allele frequency attached by ClinVar (database versions not stated): gnomAD exomes below 0.00001.
gnomAD v4.1: 1 of 1,613,858 alleles (0.000062%); highest among the groups gnomAD compares: Non-Finnish European, 0.000085%; no homozygotes.

Submission:

Ambry Genetics
Classification: Uncertain significance for Hereditary cancer-predisposing syndrome. Last evaluated: 2023-03-15. Review status: criteria provided, single submitter. Criteria: Ambry Variant Classification Scheme 2023. Collection method: clinical testing. Allele origin: germline.
Comment: The p.K549N variant (also known as c.1647A>T), located in coding exon 11 of the NBN gene, results from an A to T substitution at nucleotide position 1647. The lysine at codon 549 is replaced by asparagine, an amino acid with similar properties. This amino acid position is not well conserved in available vertebrate species. In addition, this alteration is predicted to be tolerated by in silico analysis. Since supporting evidence is limited at this time, the clinical significance of this alteration remains unclear.

NM_002485.5(NBN):c.1647A>T (p.Lys549Asn)

Gene: NBN (nibrin; minus strand). Cytogenetic location: 8q21.3.
Variant type: single nucleotide variant.
Coding change: c.1647A>T on transcript NM_002485.5 (MANE Select); coding-DNA position 1647, A replaced by T.
Protein change: p.Lys549Asn; replaces lysine 549 with asparagine.
Molecular consequence: missense variant.
Genome position (GRCh38, 1-based): chr8:89,953,442, T>A on the plus strand (A>T on the coding strand, the complement: NBN is on the minus strand). VCF-style: chr8-89953442-T-A. GRCh37 (hg19) VCF-style: chr8-90965670-T-A.
Other names: c.1401A>T, p.Lys467Asn (NM_001024688.3); short protein forms K467N, K549N.
Identifiers: ClinVar variation 1777164 (VCV001777164.3), dbSNP rs988523294, ClinGen allele CA371655407.
Genomic context (GRCh38, chr8:89,953,442, plus strand): 5'-GTCCTTGAATAACTGTTCCAATACTTCATCTTCTATGGCCACATCATCCATTTCCCTTTT[T>A]TTATTTGATCTTAGCTTTTCTGCAGCATGAGATTTACTGGCAGAATTTTTCACAATAGAT-3'
Protein context (NP_002476.2, residues 539-559): SHAAEKLRSN[Lys549Asn]KREMDDVAIE